The following is an entry in ClinVar:

ClinVar aggregate classification (germline): Uncertain significance (1 of 4 stars; one submission).

Submission:

Labcorp Genetics (formerly Invitae), Labcorp
Classification: Uncertain significance. Last evaluated: 2022-09-27. Review status: criteria provided, single submitter. Criteria: Invitae Variant Classification Sherloc (09022015). Collection method: clinical testing. Allele origin: germline.
Comment: Advanced modeling of protein sequence and biophysical properties (such as structural, functional, and spatial information, amino acid conservation, physicochemical variation, residue mobility, and thermodynamic stability) performed at Invitae indicates that this missense variant is not expected to disrupt BCL11B protein function. This sequence change replaces glycine, which is neutral and non-polar, with cysteine, which is neutral and slightly polar, at codon 83 of the BCL11B protein (p.Gly83Cys). This variant is not present in population databases (gnomAD no frequency). This variant has not been reported in the literature in individuals affected with BCL11B-related conditions. In summary, the available evidence is currently insufficient to determine the role of this variant in disease. Therefore, it has been classified as a Variant of Uncertain Significance.

NM_138576.4(BCL11B):c.247G>T (p.Gly83Cys)

Gene: BCL11B (BCL11 transcription factor B; minus strand). Cytogenetic location: 14q32.2.
Variant type: single nucleotide variant.
Coding change: c.247G>T on transcript NM_138576.4 (MANE Select); coding-DNA position 247, G replaced by T.
Protein change: p.Gly83Cys; replaces glycine 83 with cysteine.
Molecular consequence: missense variant.
Genome position (GRCh38, 1-based): chr14:99,257,651, C>A on the plus strand (G>T on the coding strand, the complement: BCL11B is on the minus strand). VCF-style: chr14-99257651-C-A. GRCh37 (hg19) VCF-style: chr14-99723988-C-A.
Other names: c.244G>T, p.Gly82Cys (NM_001282237.2, NM_001282238.2); c.247G>T, p.Gly83Cys (NM_022898.3); short protein forms G82C, G83C.
Identifiers: ClinVar variation 2128533 (VCV002128533.4), dbSNP rs115163662, ClinGen allele CA390939243.
Genomic context (GRCh38, chr14:99,257,651, plus strand): 5'-GTGAGGAGGGTGGCGGGCTGTCCTTGTCCAGGGCCTTGTCATAGCAGGCACCCAAGCTGC[C>A]GCCACACTGCTTCCTTTTGTGCTCTATAAAAACCAGGATGTCCCCCAAGGGGAAGTTCAT-3'
Protein context (NP_612808.1, residues 73-93): FIEHKRKQCG[Gly83Cys]SLGACYDKAL